The following is an entry in ClinVar:

ClinVar aggregate classification (germline): Uncertain significance. Review status: criteria provided, multiple submitters, no conflicts (2 of 4 stars). 2 submissions from 2 submitters: Uncertain significance (2). Last evaluated 2025-11-06.

Conditions:
THPO-related disorder. Also called: THPO-related condition.

Allele frequency attached by ClinVar (database versions not stated): gnomAD 0.00003; gnomAD exomes 0.00001.
gnomAD v4.1: 19 of 1,613,988 alleles (0.0012%); highest among the groups gnomAD compares: Non-Finnish European, 0.0016%; no homozygotes.

Submissions (2):

Labcorp Genetics (formerly Invitae), Labcorp
Classification: Uncertain significance. Last evaluated: 2025-11-06. Review status: criteria provided, single submitter. Criteria: Invitae Variant Classification Sherloc (09022015). Collection method: clinical testing. Allele origin: germline.
Comment: This sequence change replaces serine, which is neutral and polar, with tyrosine, which is neutral and polar, at codon 328 of the THPO protein (p.Ser328Tyr). This variant is present in population databases (no rsID available, gnomAD no frequency). This variant has not been reported in the literature in individuals affected with THPO-related conditions. ClinVar contains an entry for this variant (Variation ID: 2628523). An algorithm developed to predict the effect of missense changes on protein structure and function (PolyPhen-2) suggests that this variant is likely to be disruptive. In summary, the available evidence is currently insufficient to determine the role of this variant in disease. Therefore, it has been classified as a Variant of Uncertain Significance.

PreventionGenetics, part of Exact Sciences
Classification: Uncertain significance for THPO-related condition. Last evaluated: 2023-07-27. Review status: criteria provided, single submitter. Criteria: ACMG Guidelines, 2015. Collection method: clinical testing. Allele origin: germline.
Comment: The THPO c.983C>A variant is predicted to result in the amino acid substitution p.Ser328Tyr. To our knowledge, this variant has not been reported in the literature. This variant is reported in oen out of ~251,000 alleles in gnomAD. At this time, the clinical significance of this variant is uncertain due to the absence of conclusive functional and genetic evidence.

NM_000460.4(THPO):c.983C>A (p.Ser328Tyr)

Gene: THPO (thrombopoietin; minus strand). Cytogenetic location: 3q27.1.
Variant type: single nucleotide variant.
Coding change: c.983C>A on transcript NM_000460.4 (MANE Select); coding-DNA position 983, C replaced by A.
Protein change: p.Ser328Tyr; replaces serine 328 with tyrosine.
Molecular consequence: missense variant. On other transcripts: 3 prime UTR variant (4).
Genome position (GRCh38, 1-based): chr3:184,372,592, G>T on the plus strand (C>A on the coding strand, the complement: THPO is on the minus strand). VCF-style: chr3-184372592-G-T. GRCh37 (hg19) VCF-style: chr3-184090380-G-T.
Other names: c.971C>A, p.Ser324Tyr (NM_001177597.2, NM_001290022.1); c.*6C>A (NM_001177598.2, NM_001289997.1, NM_001290026.1 and 1 more transcripts); c.983C>A, p.Ser328Tyr (NM_001289998.1, NM_001290028.1); c.1403C>A, p.Ser468Tyr (NM_001290003.1); short protein forms S324Y, S328Y, S468Y.
Identifiers: ClinVar variation 2628523 (VCV002628523.3), dbSNP rs977348072, ClinGen allele CA88911949.